The following is an entry in ClinVar:

ClinVar aggregate classification (germline): Uncertain significance. Review status: criteria provided, multiple submitters, no conflicts (2 of 4 stars). 2 submissions from 2 submitters: Uncertain significance (2). Last evaluated 2025-08-31.

Conditions:
Inborn genetic diseases. Identifiers: MedGen C0950123, MeSH D030342.

Submissions (2):

Ambry Genetics
Classification: Uncertain significance for Inborn genetic diseases. Last evaluated: 2025-08-31. Review status: criteria provided, single submitter. Criteria: Ambry Variant Classification Scheme 2023. Collection method: clinical testing. Allele origin: germline.

Mayo Clinic Laboratories, Mayo Clinic
Classification: Uncertain significance. Last evaluated: 2025-07-01. Review status: criteria provided, single submitter. Criteria: ACMG Guidelines, 2015. Collection method: clinical testing. Allele origin: germline. Observed: 1 variant allele.
Comment: PP3, PM2_supporting

NM_000361.3(THBD):c.1553T>C (p.Leu518Pro)

Gene: THBD (thrombomodulin; minus strand). Cytogenetic location: 20p11.21.
Variant type: single nucleotide variant.
Coding change: c.1553T>C on transcript NM_000361.3 (MANE Select); coding-DNA position 1553, T replaced by C.
Protein change: p.Leu518Pro; replaces leucine 518 with proline.
Molecular consequence: missense variant.
Genome position (GRCh38, 1-based): chr20:23,047,952, A>G on the plus strand (T>C on the coding strand, the complement: THBD is on the minus strand). VCF-style: chr20-23047952-A-G. GRCh37 (hg19) VCF-style: chr20-23028589-A-G.
Other names: p.Leu518Pro; short protein forms L518P.
Identifiers: ClinVar variation 4183939 (VCV004183939.2).